The following is an entry in ClinVar:

ClinVar aggregate classification (germline): Uncertain significance (1 of 4 stars; one submission).

Submission:

GeneDx
Classification: Uncertain significance. Last evaluated: 2026-04-08. Review status: criteria provided, single submitter. Criteria: GeneDx Variant Classification Process June 2021. Collection method: clinical testing. Allele origin: germline.
Comment: Nonsense variant predicted to result in protein truncation or nonsense mediated decay in a gene or region of a gene for which loss of function is not a well-established mechanism of disease; Not observed at significant frequency in large population cohorts (gnomAD); Has not been previously published as pathogenic or benign to our knowledge

NM_001326342.2(CELF2):c.531_532insT (p.Ser178Ter)

Gene: CELF2 (CUGBP Elav-like family member 2; plus strand). Cytogenetic location: 10p14.
Variant type: Insertion.
Coding change: c.531_532insT on transcript NM_001326342.2 (MANE Select); coding-DNA positions 531 to 532, T inserted.
Protein change: p.Ser178Ter; replaces serine 178 with a stop codon.
Molecular consequence: nonsense. On other transcripts: 5 prime UTR variant (2).
Genome position: GRCh38 VCF-style: chr10-11257865-G-GT. GRCh37 (hg19) VCF-style: chr10-11299828-G-GT.
Other names: c.438_439insT, p.Ser147Ter (NM_001326320.2, NM_001326321.2, NM_001326323.2 and 15 more transcripts); c.603_604insT, p.Ser202Ter (NM_001326325.2); c.546_547insT, p.Ser183Ter (NM_001326326.2, NM_001326327.2); c.510_511insT, p.Ser171Ter (NM_001025077.3, NM_001394502.1, NM_001326331.2 and 4 more transcripts); c.531_532insT, p.Ser178Ter (NM_001326340.2, NM_001326341.2, NM_001326343.2 and 4 more transcripts); c.-95_-94insT (NM_001326346.2, NM_001326333.2); c.462_463insT, p.Ser155Ter (NM_001326347.1); c.177_178insT, p.Ser60Ter (NM_001326338.2, NM_001326339.2); short protein forms S147*, S155*, S171*, S178*, S183*, S202*, S60*.
Identifiers: ClinVar variation 5018323 (VCV005018323.1).